The following is an entry in ClinVar:

ClinVar aggregate classification (germline): Pathogenic. Review status: criteria provided, multiple submitters, no conflicts (2 of 4 stars). 2 submissions from 2 submitters: Pathogenic (2). Last evaluated 2022-05-13.

Conditions:
Hereditary cancer-predisposing syndrome. Also called: Tumor predisposition; Hereditary neoplastic syndrome; Hereditary Cancer Syndrome; Neoplastic Syndromes, Hereditary. Identifiers: Orphanet 140162, MedGen C0027672, MeSH D009386, MONDO:0015356.

Submissions (2):

Ambry Genetics
Classification: Pathogenic for Hereditary cancer-predisposing syndrome. Last evaluated: 2022-05-13. Review status: criteria provided, single submitter. Criteria: Ambry Variant Classification Scheme 2023. Collection method: clinical testing. Allele origin: germline.
Comment: The p.K351* pathogenic mutation (also known as c.1051A>T), located in coding exon 9 of the BRCA2 gene, results from an A to T substitution at nucleotide position 1051. This changes the amino acid from a lysine to a stop codon within coding exon 9. This variant is considered to be rare based on population cohorts in the Genome Aggregation Database (gnomAD). This alteration is expected to result in loss of function by premature protein truncation or nonsense-mediated mRNA decay. As such, this alteration is interpreted as a disease-causing mutation.

Color Diagnostics, LLC DBA Color Health
Classification: Pathogenic for Hereditary cancer-predisposing syndrome. Last evaluated: 2020-01-15. Review status: criteria provided, single submitter. Criteria: ACMG Guidelines, 2015. Collection method: clinical testing. Allele origin: germline.
Comment: This variant changes 1 nucleotide in exon 10 of the BRCA2 gene, creating a premature translation stop signal. This variant is expected to result in an absent or non-functional protein product. This variant has not been identified in the general population by the Genome Aggregation Database (gnomAD). Loss of BRCA2 function is a known mechanism of disease. Based on the available evidence, this variant is classified as Pathogenic.

NM_000059.4(BRCA2):c.1051A>T (p.Lys351Ter)

Gene: BRCA2 (BRCA2 DNA repair associated; plus strand). Cytogenetic location: 13q13.1.
Variant type: single nucleotide variant.
Coding change: c.1051A>T on transcript NM_000059.4 (MANE Select); coding-DNA position 1051, A replaced by T.
Protein change: p.Lys351Ter; replaces lysine 351 with a stop codon.
Molecular consequence: nonsense.
Genome position (GRCh38, 1-based): chr13:32,332,529, A>T. VCF-style: chr13-32332529-A-T. GRCh37 (hg19) VCF-style: chr13-32906666-A-T.
Other names: short protein forms K351*.
Identifiers: ClinVar variation 918190 (VCV000918190.5), dbSNP rs1003779807, ClinGen allele CA387761282.